The following is an entry in ClinVar:

NM_004656.4(BAP1):c.1130T>G (p.Leu377Arg)

Gene: BAP1 (BRCA1 associated deubiquitinase 1; minus strand). Cytogenetic location: 3p21.1.
Variant type: single nucleotide variant.
Coding change: c.1130T>G on transcript NM_004656.4 (MANE Select); coding-DNA position 1130, T replaced by G.
Protein change: p.Leu377Arg; replaces leucine 377 with arginine.
Molecular consequence: missense variant.
Genome position (GRCh38, 1-based): chr3:52,404,573, A>C on the plus strand (T>G on the coding strand, the complement: BAP1 is on the minus strand). VCF-style: chr3-52404573-A-C. GRCh37 (hg19) VCF-style: chr3-52438589-A-C.
Other names: c.1076T>G, p.Leu359Arg (NM_001410772.1); short protein forms L359R, L377R.
Identifiers: ClinVar variation 4749148 (VCV004749148.1).

ClinVar aggregate classification (germline): Uncertain significance (1 of 4 stars; one submission).

Conditions:
BAP1-related tumor predisposition syndrome (TPDS1). Also called: COMMON Syndrome; Tumor susceptibility linked to germline BAP1 mutations; TUMOR PREDISPOSITION SYNDROME 1; BAP1 tumor predisposition syndrome. Identifiers: Orphanet 289539, MedGen C3280492, MONDO:0013692, OMIM 614327.

Submission:

Labcorp Genetics (formerly Invitae), Labcorp
Classification: Uncertain significance for BAP1-related tumor predisposition syndrome. Last evaluated: 2025-05-18. Review status: criteria provided, single submitter. Criteria: Invitae Variant Classification Sherloc (09022015). Collection method: clinical testing. Allele origin: germline.
Comment: This sequence change replaces leucine, which is neutral and non-polar, with arginine, which is basic and polar, at codon 377 of the BAP1 protein (p.Leu377Arg). This variant is not present in population databases (gnomAD no frequency). This variant has not been reported in the literature in individuals affected with BAP1-related conditions. Invitae Evidence Modeling of protein sequence and biophysical properties (such as structural, functional, and spatial information, amino acid conservation, physicochemical variation, residue mobility, and thermodynamic stability) indicates that this missense variant is not expected to disrupt BAP1 protein function with a negative predictive value of 80%. In summary, the available evidence is currently insufficient to determine the role of this variant in disease. Therefore, it has been classified as a Variant of Uncertain Significance.